The following is an entry in ClinVar:

NM_001365999.1(SZT2):c.7317G>A (p.Ala2439=)

Gene: SZT2 (SZT2 subunit of KICSTOR complex; plus strand). Cytogenetic location: 1p34.2.
Variant type: single nucleotide variant.
Coding change: c.7317G>A on transcript NM_001365999.1 (MANE Select); coding-DNA position 7317, G replaced by A.
Protein change: p.Ala2439=; no amino-acid change (alanine 2439 retained).
Molecular consequence: synonymous variant.
Genome position (GRCh38, 1-based): chr1:43,440,559, G>A. VCF-style: chr1-43440559-G-A. GRCh37 (hg19) VCF-style: chr1-43906230-G-A.
Other names: c.7146G>A, p.Ala2382= (NM_015284.4).
Identifiers: ClinVar variation 1152519 (VCV001152519.35), dbSNP rs372293082, ClinGen allele CA810188.

ClinVar aggregate classification (germline): Likely benign. Review status: criteria provided, multiple submitters, no conflicts (2 of 4 stars). 5 submissions from 5 submitters: Likely benign (5). Last evaluated 2026-02-01.

Conditions:
Inborn genetic diseases. Identifiers: MedGen C0950123, MeSH D030342.
Developmental and epileptic encephalopathy, 18 (DEE18). Also called: Early infantile epileptic encephalopathy 18. Identifiers: Orphanet 369894, MedGen C3809624, MONDO:0014201, OMIM 615476.

Allele frequency attached by ClinVar (database versions not stated): gnomAD 0.00002 and 0.00003; gnomAD exomes 0.00002 and 0.00003; TOPMed 0.00002; ExAC 0.00003.
gnomAD v4.1: 57 of 1,604,834 alleles (0.0036%); highest among the groups gnomAD compares: African/African-American, 0.026%; no homozygotes.

Submissions (5):

CeGaT Center for Human Genetics Tuebingen
Classification: Likely benign. Last evaluated: 2026-02-01. Review status: criteria provided, single submitter. Criteria: CeGaT Center For Human Genetics Tuebingen Variant Classification Criteria Version 2. Collection method: clinical testing. Allele origin: germline. Affected: yes. Observed: 3 variant alleles.
Comment: SZT2: BP4, BP7

Labcorp Genetics (formerly Invitae), Labcorp
Classification: Likely benign. Last evaluated: 2025-12-13. Review status: criteria provided, single submitter. Criteria: Invitae Variant Classification Sherloc (09022015). Collection method: clinical testing. Allele origin: germline.

Blueprint Genetics
Classification: Likely benign. Last evaluated: 2024-09-16. Review status: criteria provided, single submitter. Criteria: ACMG Guidelines, 2015. Collection method: clinical testing. Allele origin: germline.

Genome-Nilou Lab
Classification: Likely benign for Developmental and epileptic encephalopathy, 18. Last evaluated: 2023-04-11. Review status: criteria provided, single submitter. Criteria: ACMG Guidelines, 2015. Collection method: clinical testing. Allele origin: germline. Affected: no.

Ambry Genetics
Classification: Likely benign for Inborn genetic diseases. Last evaluated: 2017-12-20. Review status: criteria provided, single submitter. Criteria: Ambry Variant Classification Scheme 2023. Collection method: clinical testing. Allele origin: germline.